The following is an entry in ClinVar:

NM_153240.5(NPHP3):c.2756C>T (p.Ala919Val)

Genes: NPHP3 (nephrocystin 3; minus strand), NPHP3-ACAD11 (NPHP3-ACAD11 readthrough (NMD candidate); minus strand). Cytogenetic location: 3q22.1.
Variant type: single nucleotide variant.
Coding change: c.2756C>T on transcript NM_153240.5 (MANE Select); coding-DNA position 2756, C replaced by T.
Protein change: p.Ala919Val; replaces alanine 919 with valine.
Molecular consequence: missense variant. On other transcripts: non-coding transcript variant (1).
Genome position (GRCh38, 1-based): chr3:132,689,201, G>A on the plus strand (C>T on the coding strand, the complement: NPHP3 is on the minus strand). VCF-style: chr3-132689201-G-A. GRCh37 (hg19) VCF-style: chr3-132408045-G-A.
Other names: short protein forms A919V.
Identifiers: ClinVar variation 1434005 (VCV001434005.6), dbSNP rs2107968077, ClinGen allele CA354580544.

ClinVar aggregate classification (germline): Uncertain significance (1 of 4 stars; one submission).

Conditions:
Nephronophthisis. Also called: Juvenile Nephronophthisis. Identifiers: Orphanet 655, MedGen C0687120, MONDO:0019005, HP:0000090.

Submission:

Labcorp Genetics (formerly Invitae), Labcorp
Classification: Uncertain significance for Nephronophthisis. Last evaluated: 2021-08-19. Review status: criteria provided, single submitter. Criteria: Invitae Variant Classification Sherloc (09022015). Collection method: clinical testing. Allele origin: germline.
Comment: This sequence change replaces alanine with valine at codon 919 of the NPHP3 protein (p.Ala919Val). The alanine residue is highly conserved and there is a small physicochemical difference between alanine and valine. This variant is not present in population databases (ExAC no frequency). In summary, the available evidence is currently insufficient to determine the role of this variant in disease. Therefore, it has been classified as a Variant of Uncertain Significance. Algorithms developed to predict the effect of sequence changes on RNA splicing suggest that this variant may create or strengthen a splice site. Algorithms developed to predict the effect of missense changes on protein structure and function are either unavailable or do not agree on the potential impact of this missense change (SIFT: "Tolerated"; PolyPhen-2: "Possibly Damaging"; Align-GVGD: "Class C0"). This variant has not been reported in the literature in individuals affected with NPHP3-related conditions.